The following is an entry in ClinVar:

ClinVar aggregate classification (germline): Uncertain significance. Review status: criteria provided, multiple submitters, no conflicts (2 of 4 stars). 2 submissions from 2 submitters: Uncertain significance (2). Last evaluated 2025-10-16.

Conditions:
SAG-related disorder. Also called: SAG-related disorders; SAG-related condition.

Allele frequency attached by ClinVar (database versions not stated): gnomAD exomes below 0.00001; ExAC 0.00002; gnomAD 0.00009 and 0.00011; TOPMed 0.00012; 1000 Genomes Project 30x 0.00016; 1000 Genomes Project 0.00020.
gnomAD v4.1: 18 of 1,598,274 alleles (0.0011%); highest among the groups gnomAD compares: African/African-American, 0.023%; no homozygotes.

Submissions (2):

Labcorp Genetics (formerly Invitae), Labcorp
Classification: Uncertain significance. Last evaluated: 2025-10-16. Review status: criteria provided, single submitter. Criteria: Invitae Variant Classification Sherloc (09022015). Collection method: clinical testing. Allele origin: germline.
Comment: This sequence change replaces histidine, which is basic and polar, with glutamine, which is neutral and polar, at codon 38 of the SAG protein (p.His38Gln). The frequency data for this variant in the population databases is considered unreliable, as metrics indicate poor data quality at this position in the gnomAD database. This missense change has been observed in individual(s) with clinical features of autosomal dominant retinitis pigmentosa (internal data). ClinVar contains an entry for this variant (Variation ID: 861001). Invitae Evidence Modeling of protein sequence and biophysical properties (such as structural, functional, and spatial information, amino acid conservation, physicochemical variation, residue mobility, and thermodynamic stability) indicates that this missense variant is expected to disrupt SAG protein function with a positive predictive value of 80%. In summary, the available evidence is currently insufficient to determine the role of this variant in disease. Therefore, it has been classified as a Variant of Uncertain Significance.

PreventionGenetics, part of Exact Sciences
Classification: Uncertain significance for SAG-related condition. Last evaluated: 2025-09-11. Review status: criteria provided, single submitter. Criteria: ACMG Guidelines, 2015. Collection method: clinical testing. Allele origin: germline.
Comment: The SAG c.114T>A variant is predicted to result in the amino acid substitution p.His38Gln. To our knowledge, this variant has not been reported in the literature. This variant is reported in 0.0088% of alleles in individuals of African descent in gnomAD. At this time, the clinical significance of this variant is uncertain due to the absence of conclusive functional and genetic evidence.

NM_000541.5(SAG):c.114T>A (p.His38Gln)

Gene: SAG (S-antigen visual arrestin; plus strand). Cytogenetic location: 2q37.1.
Variant type: single nucleotide variant.
Coding change: c.114T>A on transcript NM_000541.5 (MANE Select); coding-DNA position 114, T replaced by A.
Protein change: p.His38Gln; replaces histidine 38 with glutamine.
Molecular consequence: missense variant.
Genome position (GRCh38, 1-based): chr2:233,316,113, T>A. VCF-style: chr2-233316113-T-A. GRCh37 (hg19) VCF-style: chr2-234224759-T-A.
Other names: short protein forms H38Q.
Identifiers: ClinVar variation 861001 (VCV000861001.9), dbSNP rs572519144, ClinGen allele CA2174218.
Genomic context (GRCh38, chr2:233,316,113, plus strand): 5'-CCCACACCTGTTCTTCTTGCAGGTGACCATCTACCTGGGGAACAGAGACTACATAGACCA[T>A]GTCAGCCAAGTCCAGCCTGTGGGTAAGTTGCTTGGAGAAAACTGTAATGCTGGTTTTCCT-3'
Protein context (NP_000532.2, residues 28-48): IYLGNRDYID[His38Gln]VSQVQPVDGV